The following is an entry in ClinVar:

NM_001005242.3(PKP2):c.928_938dup (p.Ser313fs)

Gene: PKP2 (plakophilin 2; minus strand). Cytogenetic location: 12p11.21.
Variant type: Duplication.
Coding change: c.928_938dup on transcript NM_001005242.3 (MANE Select); coding-DNA positions 928 to 938, 11 bases duplicated (GTGGATTCCAG).
Protein change: p.Ser313fs; shifts the reading frame from serine 313.
Molecular consequence: frameshift variant.
Genome position (GRCh38, 1-based): chr12:32,877,942-32,877,952, CTGGAATCCAC duplicated on the plus strand (GTGGATTCCAG on the coding strand, the reverse complement: PKP2 is on the minus strand). VCF-style (leftmost placement, unchanged base first): chr12-32877941-G-GCTGGAATCCAC. GRCh37 (hg19) VCF-style: chr12-33030875-G-GCTGGAATCCAC.
Other names: c.928_938dup, p.Ser313fs (NM_004572.4); short protein forms S313fs.
Identifiers: ClinVar variation 1329855 (VCV001329855.3), dbSNP rs2137946568, ClinGen allele CA2573053656.

ClinVar aggregate classification (germline): Likely pathogenic (1 of 4 stars; one submission).

Conditions:
Arrhythmogenic right ventricular dysplasia 9 (ARVD9). Also called: Arrhythmogenic Right Ventricular Dysplasia/Cardiomyopathy 9; ARRHYTHMOGENIC RIGHT VENTRICULAR DYSPLASIA, FAMILIAL, 9. Identifiers: MedGen C1836906, MONDO:0012180, OMIM 609040.

Submission:

Institute of Human Genetics, University of Goettingen
Classification: Likely pathogenic for Arrhythmogenic right ventricular dysplasia 9. Last evaluated: 2021-12-28. Review status: criteria provided, single submitter. Criteria: ACMG Guidelines, 2015. Collection method: clinical testing. Allele origin: unknown. Inheritance: Autosomal dominant inheritance. Affected: yes. Observed: 1 heterozygote.
Comment: The variant c.928_938dup (p.(Ser313Argfs*11)) in exon 3 of the PKP2-gene is not found in the gnomAD database, it creates a frame shift starting at codon Ser313. The new reading frame ends in a STOP codon at position 11. Frameshift variants leading to a loss of function of PKP2 protein are a known mechanism of disease. ACMG criteria used for classification: PVS1, PM2.